The following is an entry in ClinVar:

ClinVar aggregate classification (germline): Benign (1 of 4 stars; one submission).

Conditions:
Chondrodysplasia with joint dislocations, gPAPP type. Also called: GPAPP DEFICIENCY. Identifiers: Orphanet 280586, MedGen C3279757, MONDO:0013561, OMIM 614078.

Allele frequency attached by ClinVar (database versions not stated): 1000 Genomes Project 30x 0.00734; gnomAD 0.00762 and 0.00782; TOPMed 0.00777; 1000 Genomes Project 0.00779.

Submission:

Illumina Laboratory Services, Illumina
Classification: Benign for Chondrodysplasia with joint dislocations, gPAPP type. Last evaluated: 2018-01-13. Review status: criteria provided, single submitter. Criteria: ICSL Variant Classification Criteria 13 December 2019. Collection method: clinical testing. Allele origin: germline.
Comment: This variant was observed in the ICSL laboratory as part of a predisposition screen in an ostensibly healthy population. It had not been previously curated by ICSL or reported in the Human Gene Mutation Database (HGMD: prior to June 1st, 2018), and was therefore a candidate for classification through an automated scoring system. Utilizing variant allele frequency, disease prevalence and penetrance estimates, and inheritance mode, an automated score was calculated to assess if this variant is too frequent to cause the disease. Based on the score and internal cut-off values, a variant classified as benign is not then subjected to further curation. The score for this variant resulted in a classification of benign for this disease.

NM_017813.5(BPNT2):c.*2382A>G

Gene: BPNT2 (3'(2'), 5'-bisphosphate nucleotidase 2; minus strand). Cytogenetic location: 8q12.1.
Variant type: single nucleotide variant.
Coding change: c.*2382A>G on transcript NM_017813.5 (MANE Select); 2382 bases downstream of the stop codon, A replaced by G.
Molecular consequence: 3 prime UTR variant.
Genome position (GRCh38, 1-based): chr8:56,961,411, T>C on the plus strand (A>G on the coding strand, the complement: BPNT2 is on the minus strand). VCF-style: chr8-56961411-T-C. GRCh37 (hg19) VCF-style: chr8-57873970-T-C.
Identifiers: ClinVar variation 363365 (VCV000363365.5), dbSNP rs115921469, ClinGen allele CA10625633.